The following is an entry in ClinVar:

ClinVar aggregate classification (germline): Uncertain significance. Review status: criteria provided, multiple submitters, no conflicts (2 of 4 stars). 2 submissions from 2 submitters: Uncertain significance (2). Last evaluated 2022-09-13.

Conditions:
Autosomal recessive ataxia, Beauce type. Also called: Spinocerebellar ataxia, autosomal recessive 8; ATAXIA, RECESSIVE, OF BEAUCE; SYNE1 Deficiency; SYNE1-Related Autosomal Recessive Cerebellar Ataxia. Identifiers: Orphanet 88644, MedGen C1853116, MONDO:0012549, OMIM 610743.
Emery-Dreifuss muscular dystrophy 4, autosomal dominant (EDMD4). Also called: EMERY-DREIFUSS MUSCULAR DYSTROPHY 4 WITH VARIABLE FEATURES. Identifiers: Orphanet 261, MedGen C2751807, MONDO:0013071, OMIM 612998.

Allele frequency attached by ClinVar (database versions not stated): gnomAD exomes below 0.00001; ExAC 0.00001.
gnomAD v4.1: 1 of 1,614,148 alleles (0.000062%); highest among the groups gnomAD compares: Non-Finnish European, 0.000085%; no homozygotes.

Submissions (2):

Labcorp Genetics (formerly Invitae), Labcorp
Classification: Uncertain significance for Emery-Dreifuss muscular dystrophy 4, autosomal dominant; Autosomal recessive ataxia, Beauce type. Last evaluated: 2022-09-13. Review status: criteria provided, single submitter. Criteria: Invitae Variant Classification Sherloc (09022015). Collection method: clinical testing. Allele origin: germline.
Comment: In summary, the available evidence is currently insufficient to determine the role of this variant in disease. Therefore, it has been classified as a Variant of Uncertain Significance. Algorithms developed to predict the effect of missense changes on protein structure and function are either unavailable or do not agree on the potential impact of this missense change (SIFT: "Deleterious"; PolyPhen-2: "Possibly Damaging"; Align-GVGD: "Class C0"). ClinVar contains an entry for this variant (Variation ID: 285673). This variant has not been reported in the literature in individuals affected with SYNE1-related conditions. This variant is present in population databases (rs779044367, gnomAD 0.0009%). This sequence change replaces glutamic acid, which is acidic and polar, with glycine, which is neutral and non-polar, at codon 1438 of the SYNE1 protein (p.Glu1438Gly).

Eurofins Ntd Llc (ga)
Classification: Uncertain significance. Last evaluated: 2017-11-20. Review status: criteria provided, single submitter. Criteria: EGL Classification Definitions 2015. Collection method: clinical testing. Allele origin: germline. Observed: 1 variant allele, 1 heterozygote.

NM_182961.4(SYNE1):c.4292A>G (p.Glu1431Gly)

Gene: SYNE1 (spectrin repeat containing nuclear envelope protein 1; minus strand). Cytogenetic location: 6q25.2.
Variant type: single nucleotide variant.
Coding change: c.4292A>G on transcript NM_182961.4 (MANE Select); coding-DNA position 4292, A replaced by G.
Protein change: p.Glu1431Gly; replaces glutamic acid 1431 with glycine.
Molecular consequence: missense variant.
Genome position (GRCh38, 1-based): chr6:152,435,959, T>C on the plus strand (A>G on the coding strand, the complement: SYNE1 is on the minus strand). VCF-style: chr6-152435959-T-C. GRCh37 (hg19) VCF-style: chr6-152757094-T-C.
Other names: c.4313A>G, p.Glu1438Gly (NM_033071.5); short protein forms E1431G, E1438G.
Identifiers: ClinVar variation 285673 (VCV000285673.12), dbSNP rs779044367, ClinGen allele CA4058604.